The following is an entry in ClinVar:

ClinVar aggregate classification (germline): Uncertain significance. Review status: criteria provided, multiple submitters, no conflicts (2 of 4 stars). 3 submissions from 3 submitters: Uncertain significance (3). Last evaluated 2022-11-22.

Conditions:
Inborn genetic diseases. Identifiers: MedGen C0950123, MeSH D030342.

Allele frequency attached by ClinVar (database versions not stated): TOPMed 0.00001.

Submissions (3):

Labcorp Genetics (formerly Invitae), Labcorp
Classification: Uncertain significance. Last evaluated: 2022-11-22. Review status: criteria provided, single submitter. Criteria: Invitae Variant Classification Sherloc (09022015). Collection method: clinical testing. Allele origin: germline.
Comment: This sequence change replaces glycine, which is neutral and non-polar, with serine, which is neutral and polar, at codon 212 of the RTN4IP1 protein (p.Gly212Ser). This variant is not present in population databases (gnomAD no frequency). In summary, the available evidence is currently insufficient to determine the role of this variant in disease. Therefore, it has been classified as a Variant of Uncertain Significance. Advanced modeling of protein sequence and biophysical properties (such as structural, functional, and spatial information, amino acid conservation, physicochemical variation, residue mobility, and thermodynamic stability) performed at Invitae indicates that this missense variant is expected to disrupt RTN4IP1 protein function. This variant has not been reported in the literature in individuals affected with RTN4IP1-related conditions.

Ambry Genetics
Classification: Uncertain significance for Inborn genetic diseases. Last evaluated: 2022-05-26. Review status: criteria provided, single submitter. Criteria: Ambry Variant Classification Scheme 2023. Collection method: clinical testing. Allele origin: germline.

Blueprint Genetics
Classification: Uncertain significance. Last evaluated: 2021-04-21. Review status: criteria provided, single submitter. Criteria: ACMG Guidelines, 2015. Collection method: clinical testing. Allele origin: germline.

NM_032730.5(RTN4IP1):c.634G>A (p.Gly212Ser)

Gene: RTN4IP1 (reticulon 4 interacting protein 1; minus strand). Cytogenetic location: 6q21.
Variant type: single nucleotide variant.
Coding change: c.634G>A on transcript NM_032730.5 (MANE Select); coding-DNA position 634, G replaced by A.
Protein change: p.Gly212Ser; replaces glycine 212 with serine.
Molecular consequence: missense variant.
Genome position (GRCh38, 1-based): chr6:106,602,909, C>T on the plus strand (G>A on the coding strand, the complement: RTN4IP1 is on the minus strand). VCF-style: chr6-106602909-C-T. GRCh37 (hg19) VCF-style: chr6-107050784-C-T.
Other names: c.334G>A, p.Gly112Ser (NM_001318746.1); short protein forms G112S, G212S.
Identifiers: ClinVar variation 2050977 (VCV002050977.6), dbSNP rs1775981901, ClinGen allele CA365160005.